The following is an entry in ClinVar:

NM_006031.6(PCNT):c.8676G>A (p.Arg2892=)

Gene: PCNT (pericentrin; plus strand). Cytogenetic location: 21q22.3.
Variant type: single nucleotide variant.
Coding change: c.8676G>A on transcript NM_006031.6 (MANE Select); coding-DNA position 8676, G replaced by A.
Protein change: p.Arg2892=; no amino-acid change (arginine 2892 retained).
Molecular consequence: synonymous variant. On other transcripts: intron variant (1).
Genome position (GRCh38, 1-based): chr21:46,432,140, G>A. VCF-style: chr21-46432140-G-A. GRCh37 (hg19) VCF-style: chr21-47852054-G-A.
Other names: c.8676G>A (NM_006031.5); c.8160+162G>A (NM_001315529.2).
Identifiers: ClinVar variation 2974506 (VCV002974506.5), dbSNP rs779468459, ClinGen allele CA10081023.
Genomic context (GRCh38, chr21:46,432,140, plus strand): 5'-GGCAGAATTAGAGCAGTCACACCCACGGTTGAAAGAGCAAGAAGGACGCAAGGCTGCGAG[G>A]AGGAGCGCGGAGGCCAGGCAGAGCCCAGCGGCTGCGGAGCAGTGGAGGAAGTGGCAGAGA-3'
Protein context (NP_006022.3, residues 2882-2902): LKEQEGRKAA[Arg2892=]RSAEARQSPA

ClinVar aggregate classification (germline): Likely benign. Review status: criteria provided, multiple submitters, no conflicts (2 of 4 stars). 3 submissions from 3 submitters: Likely benign (2). 1 of the submissions does not count toward it. Last evaluated 2024-03-14.

Conditions:
PCNT-related disorder. Also called: PCNT-related condition.

Allele frequency attached by ClinVar (database versions not stated): TOPMed 0.00001; gnomAD 0.00003; gnomAD exomes 0.00005; ExAC 0.00009.
gnomAD v4.1: 76 of 1,613,924 alleles (0.0047%); highest among the groups gnomAD compares: Middle Eastern, 0.067%; no homozygotes.

Submissions (3):

Labcorp Genetics (formerly Invitae), Labcorp
Classification: Likely benign. Last evaluated: 2024-03-14. Review status: criteria provided, single submitter. Criteria: Invitae Variant Classification Sherloc (09022015). Collection method: clinical testing. Allele origin: germline.

Blueprint Genetics
Classification: Likely benign. Last evaluated: 2024-01-18. Review status: criteria provided, single submitter. Criteria: ACMG Guidelines, 2015. Collection method: clinical testing. Allele origin: germline.

PreventionGenetics, part of Exact Sciences
Classification: Likely benign for PCNT-related condition. Last evaluated: 2023-12-18. Review status: no assertion criteria provided. Collection method: clinical testing. Allele origin: germline. Not counted in ClinVar's aggregate classification.
Comment: This variant is classified as likely benign based on ACMG/AMP sequence variant interpretation guidelines (Richards et al. 2015 PMID: 25741868, with internal and published modifications).